The following is an entry in ClinVar:

NM_001378615.1(CC2D2A):c.4273T>C (p.Cys1425Arg)

Genes: CC2D2A (coiled-coil and C2 domain containing 2A; plus strand), FBXL5 (F-box and leucine rich repeat protein 5; minus strand). Cytogenetic location: 4p15.32.
Variant type: single nucleotide variant.
Coding change: c.4273T>C on transcript NM_001378615.1 (MANE Select); coding-DNA position 4273, T replaced by C.
Protein change: p.Cys1425Arg; replaces cysteine 1425 with arginine.
Molecular consequence: missense variant.
Genome position (GRCh38, 1-based): chr4:15,589,638, T>C. VCF-style: chr4-15589638-T-C. GRCh37 (hg19) VCF-style: chr4-15591261-T-C.
Other names: c.4273T>C, p.Cys1425Arg (NM_001080522.2); c.4126T>C, p.Cys1376Arg (NM_001378617.1); short protein forms C1376R, C1425R.
Identifiers: ClinVar variation 2117709 (VCV002117709.4), dbSNP rs2475128017, ClinGen allele CA356429901.

ClinVar aggregate classification (germline): Uncertain significance (1 of 4 stars; one submission).

Conditions:
Joubert syndrome. Also called: JOUBERT-BOLTSHAUSER SYNDROME; Familial aplasia of the vermis. Identifiers: Orphanet 475, MedGen C5979921, MONDO:0018772.
Meckel-Gruber syndrome. Also called: DYSENCEPHALIA SPLANCHNOCYSTICA; GRUBER SYNDROME; Dysencephalia splachnocystica. Identifiers: Orphanet 564, MedGen C0265215, MONDO:0018921.

Allele frequency attached by ClinVar (database versions not stated): gnomAD exomes below 0.00001.
gnomAD v4.1: 2 of 1,603,382 alleles (0.00012%); highest among the groups gnomAD compares: Non-Finnish European, 0.00017%; no homozygotes.

Submission:

Labcorp Genetics (formerly Invitae), Labcorp
Classification: Uncertain significance for Joubert syndrome; Meckel-Gruber syndrome. Last evaluated: 2022-03-28. Review status: criteria provided, single submitter. Criteria: Invitae Variant Classification Sherloc (09022015). Collection method: clinical testing. Allele origin: germline.
Comment: In summary, the available evidence is currently insufficient to determine the role of this variant in disease. Therefore, it has been classified as a Variant of Uncertain Significance. Advanced modeling of protein sequence and biophysical properties (such as structural, functional, and spatial information, amino acid conservation, physicochemical variation, residue mobility, and thermodynamic stability) performed at Invitae indicates that this missense variant is expected to disrupt CC2D2A protein function. This variant has not been reported in the literature in individuals affected with CC2D2A-related conditions. This variant is not present in population databases (gnomAD no frequency). This sequence change replaces cysteine, which is neutral and slightly polar, with arginine, which is basic and polar, at codon 1425 of the CC2D2A protein (p.Cys1425Arg).